The following continues an entry in ClinVar:

NM_000238.4(KCNH2):c.1655T>C (p.Leu552Ser)

Gene: KCNH2. ClinVar aggregate classification (germline): Pathogenic. Pathogenic (10).

Submissions 8 to 11 of 11:

Clinical Genetics Laboratory, Skane University Hospital Lund
Classification: Pathogenic. Last evaluated: 2022-05-27. Review status: criteria provided, single submitter. Criteria: ACMG Guidelines, 2015. Collection method: clinical testing. Allele origin: germline. Affected: yes.

Human Genome Sequencing Center Clinical Lab, Baylor College of Medicine
Classification: Pathogenic for Long QT syndrome 2. Last evaluated: 2018-07-27. Review status: criteria provided, single submitter. Criteria: ACMG Guidelines, 2015. Collection method: clinical testing. Allele origin: germline.
Comment: This c.1655T>C (p.Leu552Ser) variant in exon 7 of the KCNH2 gene has been reported in a Finnish family with two homozygous Finnish siblings presenting severe phenotype of Long QT syndrome (PMID:10841244). This variant is also reported in heterozygous state in multiple unrelated individuals with Long QT syndrome(PMID: 10483966, 10973849, 19716085, 22949429). Functional study reported this variant caused trafficking deficiency of protein (PMID 25417810). This c.1655T>C(p.Leu552Ser) variant in the KCNH2 gene is classified as pathogenic.

Stanford Center for Inherited Cardiovascular Disease, Stanford University
Classification: Pathogenic. Last evaluated: 2014-10-29. Review status: criteria provided, single submitter. Criteria: ACMG Guidelines, 2015. Collection method: provider interpretation. Allele origin: germline.

Cardiovascular Biomedical Research Unit, Royal Brompton & Harefield NHS Foundation Trust
No classification provided. Condition: Familial long QT syndrome. Review status: no classification provided. Collection method: literature only. Allele origin: germline. Not counted in ClinVar's aggregate classification.
Comment: This variant has been reported as associated with Long QT syndrome in the following publications (PMID:10483966;PMID:10841244;PMID:10973849;PMID:11854117;PMID:12477631;PMID:12690509;PMID:15840476;PMID:19160088;PMID:19716085;PMID:19841300). This is a literature report, and does not necessarily reflect the clinical interpretation of the Imperial College / Royal Brompton Cardiovascular Genetics laboratory.

Literature cited by the submitters: PubMed 10841244 (cited by 6 submitters); PubMed 10973849 (cited by 4 submitters); PubMed 21244686 (cited by Labcorp Genetics (formerly Invitae), Labcorp); PubMed 22949429 (cited by Labcorp Genetics (formerly Invitae), Labcorp); PubMed 25417810 (cited by 4 submitters); PubMed 15176425 (cited by 3 submitters); PubMed 19160088 (cited by Ambry Genetics and Cardiovascular Biomedical Research Unit, Royal Brompton & Harefield NHS Foundation Trust); PubMed 29622001 (cited by Ambry Genetics); PubMed 29661707 (cited by Ambry Genetics); PubMed 10483966 (cited by 3 submitters); PubMed 11854117 (cited by 3 submitters); PubMed 15840476 (cited by 3 submitters); PubMed 32392813 (cited by Color Diagnostics, LLC DBA Color Health and All of Us Research Program, National Institutes of Health); PubMed 32893267 (cited by Color Diagnostics, LLC DBA Color Health and All of Us Research Program, National Institutes of Health); PubMed 12477631 (cited by Cardiovascular Biomedical Research Unit, Royal Brompton & Harefield NHS Foundation Trust); PubMed 12690509 (cited by Cardiovascular Biomedical Research Unit, Royal Brompton & Harefield NHS Foundation Trust); PubMed 19716085 (cited by Cardiovascular Biomedical Research Unit, Royal Brompton & Harefield NHS Foundation Trust); PubMed 19841300 (cited by Cardiovascular Biomedical Research Unit, Royal Brompton & Harefield NHS Foundation Trust); PubMed 22581653 (cited by Cardiovascular Biomedical Research Unit, Royal Brompton & Harefield NHS Foundation Trust).